The following is an entry in ClinVar:

NM_015978.3(TNNI3K):c.1912C>G (p.Gln638Glu)

Genes: FPGT-TNNI3K (FPGT-TNNI3K readthrough; plus strand), TNNI3K (TNNI3 interacting kinase; plus strand). Cytogenetic location: 1p31.1.
Variant type: single nucleotide variant.
Coding change: c.1912C>G on transcript NM_015978.3 (MANE Select); coding-DNA position 1912, C replaced by G.
Protein change: p.Gln638Glu; replaces glutamine 638 with glutamic acid.
Molecular consequence: missense variant.
Genome position (GRCh38, 1-based): chr1:74,439,523, C>G. VCF-style: chr1-74439523-C-G. GRCh37 (hg19) VCF-style: chr1-74905207-C-G.
Other names: c.2215C>G, p.Gln739Glu (NM_001112808.3, NM_001199327.2); short protein forms Q739E, Q638E.
Identifiers: ClinVar variation 3675074 (VCV003675074.2).

ClinVar aggregate classification (germline): Uncertain significance (1 of 4 stars; one submission).

gnomAD v4.1: 1 of 1,613,414 alleles (0.000062%); highest among the groups gnomAD compares: Non-Finnish European, 0.000085%; no homozygotes.

Submission:

Labcorp Genetics (formerly Invitae), Labcorp
Classification: Uncertain significance. Last evaluated: 2024-05-31. Review status: criteria provided, single submitter. Criteria: Invitae Variant Classification Sherloc (09022015). Collection method: clinical testing. Allele origin: germline.
Comment: This sequence change replaces glutamine, which is neutral and polar, with glutamic acid, which is acidic and polar, at codon 638 of the TNNI3K protein (p.Gln638Glu). This variant is not present in population databases (gnomAD no frequency). This variant has not been reported in the literature in individuals affected with TNNI3K-related conditions. An algorithm developed to predict the effect of missense changes on protein structure and function (PolyPhen-2) suggests that this variant is likely to be disruptive. In summary, the available evidence is currently insufficient to determine the role of this variant in disease. Therefore, it has been classified as a Variant of Uncertain Significance.